The following is an entry in ClinVar:

NM_001202.6(BMP4):c.28G>T (p.Val10Phe)

Gene: BMP4 (bone morphogenetic protein 4; minus strand). Cytogenetic location: 14q22.2.
Variant type: single nucleotide variant.
Coding change: c.28G>T on transcript NM_001202.6 (MANE Select); coding-DNA position 28, G replaced by T.
Protein change: p.Val10Phe; replaces valine 10 with phenylalanine.
Molecular consequence: missense variant. On other transcripts: intron variant (4).
Genome position (GRCh38, 1-based): chr14:53,952,195, C>A on the plus strand (G>T on the coding strand, the complement: BMP4 is on the minus strand). VCF-style: chr14-53952195-C-A. GRCh37 (hg19) VCF-style: chr14-54418913-C-A.
Other names: c.28G>T, p.Val10Phe (NM_001347914.2, NM_001347916.1, NM_130850.5 and 1 more transcripts); c.188-19G>T (NM_001347912.1); c.-143-19G>T (NM_001347913.2, NM_001347917.1, NM_001347915.2); short protein forms V10F.
Identifiers: ClinVar variation 4527670 (VCV004527670.1).
Genomic context (GRCh38, chr14:53,952,195, plus strand): 5'-TCTCAGGTATCAAACTAGCATGGCTCGCGCCTCCTAGCAGGACTTGGCATAATAAAACGA[C>A]CATCAGCATTCGGTTACCAGGAATCATGGTGTCTCTGGGGAGGGGGAGGGGAGTGGAAGG-3'
Protein context (NP_001193.2, residues 1-20): MIPGNRMLM[Val10Phe]VLLCQVLLGG

ClinVar aggregate classification (germline): Uncertain significance (1 of 4 stars; one submission).

gnomAD v4.1: 1 of 1,614,096 alleles (0.000062%); highest among the groups gnomAD compares: Middle Eastern, 0.016%; no homozygotes.

Submission:

GeneDx
Classification: Uncertain significance. Last evaluated: 2025-05-01. Review status: criteria provided, single submitter. Criteria: GeneDx Variant Classification Process June 2021. Collection method: clinical testing. Allele origin: germline. Affected: yes.
Comment: Not observed at significant frequency in large population cohorts (gnomAD); In silico analysis supports that this missense variant has a deleterious effect on protein structure/function; Has not been previously published as pathogenic or benign to our knowledge